The following is an entry in ClinVar:

NM_016222.4(DDX41):c.1060T>C (p.Phe354Leu)

Gene: DDX41 (DEAD-box helicase 41; minus strand). Cytogenetic location: 5q35.3.
Variant type: single nucleotide variant.
Coding change: c.1060T>C on transcript NM_016222.4 (MANE Select); coding-DNA position 1060, T replaced by C.
Protein change: p.Phe354Leu; replaces phenylalanine 354 with leucine.
Molecular consequence: missense variant.
Genome position (GRCh38, 1-based): chr5:177,513,723, A>G on the plus strand (T>C on the coding strand, the complement: DDX41 is on the minus strand). VCF-style: chr5-177513723-A-G. GRCh37 (hg19) VCF-style: chr5-176940724-A-G.
Other names: c.682T>C, p.Phe228Leu (NM_001321732.2, NM_001321830.2); short protein forms F228L, F354L.
Identifiers: ClinVar variation 2783439 (VCV002783439.3), dbSNP rs2532080846, ClinGen allele CA362374254.

ClinVar aggregate classification (germline): Uncertain significance (1 of 4 stars; one submission).

Submission:

Labcorp Genetics (formerly Invitae), Labcorp
Classification: Uncertain significance. Last evaluated: 2023-10-17. Review status: criteria provided, single submitter. Criteria: Invitae Variant Classification Sherloc (09022015). Collection method: clinical testing. Allele origin: germline.
Comment: This sequence change replaces phenylalanine, which is neutral and non-polar, with leucine, which is neutral and non-polar, at codon 354 of the DDX41 protein (p.Phe354Leu). This variant is not present in population databases (gnomAD no frequency). This variant has not been reported in the literature in individuals affected with DDX41-related conditions. An algorithm developed to predict the effect of missense changes on protein structure and function (PolyPhen-2) suggests that this variant is likely to be tolerated. In summary, the available evidence is currently insufficient to determine the role of this variant in disease. Therefore, it has been classified as a Variant of Uncertain Significance.